The following is an entry in ClinVar:

NM_014727.3(KMT2B):c.7532G>A (p.Arg2511Gln)

Gene: KMT2B (lysine methyltransferase 2B; plus strand). Cytogenetic location: 19q13.12.
Variant type: single nucleotide variant.
Coding change: c.7532G>A on transcript NM_014727.3 (MANE Select); coding-DNA position 7532, G replaced by A.
Protein change: p.Arg2511Gln; replaces arginine 2511 with glutamine.
Molecular consequence: missense variant.
Genome position (GRCh38, 1-based): chr19:35,737,245, G>A. VCF-style: chr19-35737245-G-A. GRCh37 (hg19) VCF-style: chr19-36228146-G-A.
Other names: short protein forms R2511Q.
Identifiers: ClinVar variation 1380688 (VCV001380688.8), dbSNP rs1232711537, ClinGen allele CA405437556.

ClinVar aggregate classification (germline): Uncertain significance (1 of 4 stars; one submission).

Allele frequency attached by ClinVar (database versions not stated): gnomAD exomes below 0.00001.
gnomAD v4.1: 1 of 1,542,328 alleles (0.000065%); highest among the groups gnomAD compares: East Asian, 0.0024%; no homozygotes.

Submission:

Labcorp Genetics (formerly Invitae), Labcorp
Classification: Uncertain significance. Last evaluated: 2021-03-23. Review status: criteria provided, single submitter. Criteria: Invitae Variant Classification Sherloc (09022015). Collection method: clinical testing. Allele origin: germline.
Comment: In summary, the available evidence is currently insufficient to determine the role of this variant in disease. Therefore, it has been classified as a Variant of Uncertain Significance. Algorithms developed to predict the effect of sequence changes on RNA splicing suggest that this variant may create or strengthen a splice site, but this prediction has not been confirmed by published transcriptional studies. Algorithms developed to predict the effect of missense changes on protein structure and function are either unavailable or do not agree on the potential impact of this missense change (SIFT: "Deleterious"; PolyPhen-2: "Not Available"; Align-GVGD: "Class C0"). This variant has not been reported in the literature in individuals with KMT2B-related conditions. The frequency data for this variant in the population databases is considered unreliable, as metrics indicate insufficient coverage at this position in the ExAC database. This sequence change replaces arginine with glutamine at codon 2511 of the KMT2B protein (p.Arg2511Gln). The arginine residue is highly conserved and there is a small physicochemical difference between arginine and glutamine.